The following is an entry in ClinVar:

ClinVar aggregate classification (germline): Uncertain significance. Review status: criteria provided, multiple submitters, no conflicts (2 of 4 stars). 3 submissions from 3 submitters: Uncertain significance (3). Last evaluated 2025-10-22.

Conditions:
Inborn genetic diseases. Identifiers: MedGen C0950123, MeSH D030342.
Congenital disorder of glycosylation, type Ii. Also called: ALG2-CDG; CDG Ii; ALG2-congenital disorder of glycosylation. Identifiers: Orphanet 79326, MedGen C1842836, MONDO:0011933, OMIM 607906.
Congenital myasthenic syndrome 14. Also called: Myasthenic syndrome, congenital, 14, with tubular aggregates. Identifiers: Orphanet 353327, Orphanet 590, MedGen C4015597, MONDO:0014543, OMIM 616228.

Allele frequency attached by ClinVar (database versions not stated): gnomAD exomes below 0.00001; gnomAD 0.00001.
gnomAD v4.1: 2 of 1,597,406 alleles (0.00013%); no homozygotes.

Submissions (3):

Mayo Clinic Laboratories, Mayo Clinic
Classification: Uncertain significance. Last evaluated: 2025-10-22. Review status: criteria provided, single submitter. Criteria: ACMG Guidelines, 2015. Collection method: clinical testing. Allele origin: germline. Observed: 1 variant allele.
Comment: PM2_supporting

Ambry Genetics
Classification: Uncertain significance for Inborn genetic diseases. Last evaluated: 2025-05-01. Review status: criteria provided, single submitter. Criteria: Ambry Variant Classification Scheme 2023. Collection method: clinical testing. Allele origin: germline.

Labcorp Genetics (formerly Invitae), Labcorp
Classification: Uncertain significance for Congenital disorder of glycosylation, type Ii; Congenital myasthenic syndrome 14. Last evaluated: 2023-10-13. Review status: criteria provided, single submitter. Criteria: Invitae Variant Classification Sherloc (09022015). Collection method: clinical testing. Allele origin: germline.
Comment: This sequence change replaces valine, which is neutral and non-polar, with methionine, which is neutral and non-polar, at codon 26 of the ALG2 protein (p.Val26Met). The frequency data for this variant in the population databases is considered unreliable, as metrics indicate poor data quality at this position in the gnomAD database. This variant has not been reported in the literature in individuals affected with ALG2-related conditions. ClinVar contains an entry for this variant (Variation ID: 1514055). An algorithm developed to predict the effect of missense changes on protein structure and function (PolyPhen-2) suggests that this variant is likely to be tolerated. In summary, the available evidence is currently insufficient to determine the role of this variant in disease. Therefore, it has been classified as a Variant of Uncertain Significance.

NM_033087.4(ALG2):c.76G>A (p.Val26Met)

Gene: ALG2 (ALG2 alpha-1,3/1,6-mannosyltransferase; minus strand). Cytogenetic location: 9q22.33.
Variant type: single nucleotide variant.
Coding change: c.76G>A on transcript NM_033087.4 (MANE Select); coding-DNA position 76, G replaced by A.
Protein change: p.Val26Met; replaces valine 26 with methionine.
Molecular consequence: missense variant. On other transcripts: non-coding transcript variant (1).
Genome position (GRCh38, 1-based): chr9:99,221,819, C>T on the plus strand (G>A on the coding strand, the complement: ALG2 is on the minus strand). VCF-style: chr9-99221819-C-T. GRCh37 (hg19) VCF-style: chr9-101984101-C-T.
Other names: p.Val26Met; c.76G>A (NM_033087.3); short protein forms V26M.
Identifiers: ClinVar variation 1514055 (VCV001514055.10), dbSNP rs1280699944, ClinGen allele CA374232662.
Genomic context (GRCh38, chr9:99,221,819, plus strand): 5'-TACACCCGCGCGCCTGCAGCGCCAGCGCCGCGTCCAACACCAGCCGCTCAGCGCCGCCCA[C>T]GCCCAGGTCTGGGTGGAGGAACAGCACCGACGGCTTGGGAACCGAGTCCCGTTCCCGGCC-3'
Protein context (NP_149078.1, residues 16-36): SVLFLHPDLG[Val26Met]GGAERLVLDA